The following is an entry in ClinVar:

NM_007194.4(CHEK2):c.1141A>G (p.Met381Val)

Gene: CHEK2 (checkpoint kinase 2; minus strand). Cytogenetic location: 22q12.1.
Variant type: single nucleotide variant.
Coding change: c.1141A>G on transcript NM_007194.4 (MANE Select); coding-DNA position 1141, A replaced by G.
Protein change: p.Met381Val; replaces methionine 381 with valine.
Molecular consequence: missense variant.
Genome position (GRCh38, 1-based): chr22:28,695,828, T>C on the plus strand (A>G on the coding strand, the complement: CHEK2 is on the minus strand). VCF-style: chr22-28695828-T-C. GRCh37 (hg19) VCF-style: chr22-29091816-T-C.
Other names: p.M381V:ATG>GTG; p.Met381Val; c.1270A>G, p.Met424Val (NM_001005735.3); c.478A>G, p.Met160Val (NM_001257387.3); c.940A>G, p.Met314Val (NM_001349956.3); c.1054A>G, p.Met352Val (NM_145862.3); short protein forms M381V, M160V, M424V, M314V, M352V.
Identifiers: ClinVar variation 140959 (VCV000140959.45), dbSNP rs375130261, ClinGen allele CA294015.

ClinVar aggregate classification (germline): Uncertain significance. Review status: criteria provided, multiple submitters, no conflicts (2 of 4 stars). 15 submissions from 15 submitters: Uncertain significance (13). 2 of the submissions do not count toward it. Last evaluated 2026-02-03.

Conditions:
CHEK2-related disorder.
Familial cancer of breast. Also called: hereditary breast carcinoma; BREAST CANCER, FAMILIAL; Hereditary breast cancer. Identifiers: Orphanet 227535, MedGen C0346153, MONDO:0016419, OMIM 114480. Disease mechanism: loss of function.
Bone osteosarcoma. Also called: Osteosarcoma, somatic. Identifiers: Orphanet 668, MedGen C0585442, MONDO:0002629, OMIM 259500.
CHEK2-related cancer predisposition (TPDS4). Also called: CHEK2-related cancer susceptibility; TUMOR PREDISPOSITION SYNDROME 4; CANCER PREDISPOSITION SYNDROME, CHEK2-RELATED. Identifiers: Orphanet 524, MedGen C5882668, MONDO:0700271, OMIM 609265.
Prostate cancer. Also called: Malignant tumor of prostate. Identifiers: Orphanet 1331, MedGen C0376358, MONDO:0008315, HP:0012125.
Hereditary cancer-predisposing syndrome. Also called: Neoplastic Syndromes, Hereditary; Hereditary neoplastic syndrome; Hereditary Cancer Syndrome; Tumor predisposition. Identifiers: Orphanet 140162, MedGen C0027672, MeSH D009386, MONDO:0015356.
Malignant tumor of breast. Also called: Malignant breast neoplasm; Cancer breast. Identifiers: MedGen C0006142, MONDO:0007254. Disease mechanism: loss of function.

Allele frequency attached by ClinVar (database versions not stated): ESP Exome Variant Server 0.00023; gnomAD 0.00007; TOPMed 0.00011.

Submissions 1 to 9 of 15:

Labcorp Genetics (formerly Invitae), Labcorp
Classification: Uncertain significance for Familial cancer of breast. Last evaluated: 2026-02-03. Review status: criteria provided, single submitter. Criteria: Invitae Variant Classification Sherloc (09022015). Collection method: clinical testing. Allele origin: germline.
Comment: This sequence change replaces methionine, which is neutral and non-polar, with valine, which is neutral and non-polar, at codon 381 of the CHEK2 protein (p.Met381Val). This variant is present in population databases (rs375130261, gnomAD 0.008%). This missense change has been observed in individual(s) with breast cancer and colorectal cancer (PMID: 25186627, 28944238, 30613976, 32885271, 32959997, 36717774). This variant is also known as c.1270A>G or p.Met424Val. ClinVar contains an entry for this variant (Variation ID: 140959). An algorithm developed to predict the effect of missense changes on protein structure and function (PolyPhen-2) suggests that this variant is likely to be disruptive. Experimental studies have shown that this missense change does not substantially affect CHEK2 function (PMID: 30851065, 37449874). RNA analysis performed to evaluate the impact of this missense change on mRNA splicing indicates it does not significantly alter splicing (internal data). In summary, the available evidence is currently insufficient to determine the role of this variant in disease. Therefore, it has been classified as a Variant of Uncertain Significance.

PreventionGenetics, part of Exact Sciences
Classification: Uncertain significance for CHEK2-related condition. Last evaluated: 2025-03-22. Review status: criteria provided, single submitter. Criteria: ACMG Guidelines, 2015. Collection method: clinical testing. Allele origin: germline.
Comment: The CHEK2 c.1141A>G variant is predicted to result in the amino acid substitution p.Met381Val. This variant has been identified in an individual with colorectal cancer (Table S2, DeRycke et al. 2017. PubMed ID: 28944238), and in several individuals with breast cancer, including male breast cancer (Uyisenga et al. 2020. PubMed ID: 32959997; Rizzolo et al. 2019. PubMed ID: 30613976; de Oliveira et al. 2022. PubMed ID: 35534704; Tung et al. 2014. PubMed ID: 25186627). This variant has also been called c.1270A>G or p.Met424Val in the literature. This variant is reported in 0.0062% of alleles in individuals of European (Non-Finnish) descent in gnomAD and is classified in ClinVar as a variant of uncertain significance. At this time, the clinical significance of this variant is uncertain due to the absence of conclusive functional and genetic evidence.

Color Diagnostics, LLC DBA Color Health
Classification: Uncertain significance for Hereditary cancer-predisposing syndrome. Last evaluated: 2025-03-10. Review status: criteria provided, single submitter. Criteria: ACMG Guidelines, 2015. Collection method: clinical testing. Allele origin: germline.
Comment: This missense variant replaces methionine with valine at codon 381 of the CHEK2 protein. Computational prediction suggests that this variant may not impact protein structure and function (internally defined REVEL score threshold <= 0.5, PMID: 27666373). Functional studies have shown no significant impact of this variant on DNA damage repair activity in yeast (PMID: 30851065) and intermediate impact on KAP1 phosphorylation and no impact on CHEK2 autophosphorylation in mammalian cells (PMID: 37449874). This variant has been reported in individuals affected with breast, pancreatic, and colorectal cancer (PMID: 25186627, 28944238, 32885271, 32959997, 36717774) and in one unaffected individual (PMID: 37449874). This variant has been identified in 10/282330 chromosomes in the general population by the Genome Aggregation Database (gnomAD). The available evidence is insufficient to determine the role of this variant in disease conclusively. Therefore, this variant is classified as a Variant of Uncertain Significance.

Ambry Genetics
Classification: Uncertain significance for Hereditary cancer-predisposing syndrome. Last evaluated: 2025-01-07. Review status: criteria provided, single submitter. Criteria: Ambry Variant Classification Scheme 2023. Collection method: clinical testing. Allele origin: germline.
Comment: The p.M381V variant (also known as c.1141A>G), located in coding exon 10 of the CHEK2 gene, results from an A to G substitution at nucleotide position 1141. The methionine at codon 381 is replaced by valine, an amino acid with highly similar properties. This alteration has been detected in a cohort of 1231 colorectal cancer cases (DeRycke MS et al. Mol Genet Genomic Med. 2017 Sep;5:553-569). Additionally, this alteration has been identified in individuals diagnosed with breast cancer (Tung N et al. Cancer, 2015 Jan;121:25-33; Guindalini RSC et al. Sci Rep, 2022 Mar;12:4190). This variant was also observed in 4/3251 individuals who met eligibility criteria for hereditary breast and ovarian cancer syndrome (Lerner-Ellis J et al. J Cancer Res Clin Oncol, 2021 Mar;147:871-879). This alteration behaved as functional in an in vivo, yeast-based growth rate assay (Delimitsou A et al. Hum. Mutat., 2019 05;40:631-648). This alteration was reported as functional in a study assessing CHEK2-complementation through quantification of KAP1 phosphorylation and CHK2 autophosphorylation in human RPE1-CHEK2-knockout cells (Stolarova L et al. Clin Cancer Res, 2023 Aug;29:3037-3050). This amino acid position is highly conserved in available vertebrate species. In addition, this alteration is predicted to be deleterious by in silico analysis. Based on the available evidence, the clinical significance of this variant remains unclear.

Molecular Pathology, Peter Maccallum Cancer Centre
Classification: Uncertain significance for Familial cancer of breast. Last evaluated: 2024-10-23. Review status: criteria provided, single submitter. Criteria: ACMG Guidelines, 2015. Collection method: clinical testing. Allele origin: germline. Inheritance: Autosomal dominant inheritance.

Women's Health and Genetics/Laboratory Corporation of America, LabCorp
Classification: Uncertain significance. Last evaluated: 2024-10-17. Review status: criteria provided, single submitter. Criteria: LabCorp Variant Classification Summary - May 2015. Collection method: clinical testing. Allele origin: germline.
Comment: Variant summary: CHEK2 c.1141A>G (p.Met381Val) results in a conservative amino acid change located in the Protein kinase domain (IPR000719) of the encoded protein sequence. Three of five in-silico tools predict a damaging effect of the variant on protein function. The variant allele was found at a frequency of 3.2e-05 in 250916 control chromosomes (gnomAD). The available data on variant occurrences in the general population are insufficient to allow any conclusion about variant significance. c.1141A>G has been reported in the literature in individuals affected with Breast Cancer as well as unaffected controls (e.g. Tung_2014, Uyisenga_2020, Rizzolo_2019, Dorling_2021, de Oliveira_2022, Gifoni_2022, Guindalini_2022). These reports do not provide unequivocal conclusions about association of the variant with Hereditary Breast And Ovarian Cancer Syndrome. To our knowledge, no experimental evidence demonstrating an impact on protein function has been reported. The following publications have been ascertained in the context of this evaluation (PMID: 25186627, 33471991, 32959997, 30613976, 35534704, 35957908, 35264596). ClinVar contains an entry for this variant (Variation ID: 140959). Based on the evidence outlined above, the variant was classified as uncertain significance.

GeneDx
Classification: Uncertain significance. Last evaluated: 2024-04-16. Review status: criteria provided, single submitter. Criteria: GeneDx Variant Classification Process June 2021. Collection method: clinical testing. Allele origin: germline. Affected: yes.
Comment: Published functional studies suggest no damaging effect: demonstrates auto-phosphorylation and/or kinase activity similar to wild type in yeast and human cell-based assay(s) (PMID: 30851065, 37449874); Not observed at significant frequency in large population cohorts (gnomAD); In silico analysis supports that this missense variant has a deleterious effect on protein structure/function; This variant is associated with the following publications: (PMID: 31398194, 27535334, 28944238, 29981437, 30269267, 25186627, 30613976, 32959997, 35264596, 32885271, 36717774, 30851065, 19782031, 22419737, 35493704, 35957908, 35534704, 37449874)

Baylor Genetics
Classification: Uncertain significance for Familial cancer of breast. Last evaluated: 2024-03-21. Review status: criteria provided, single submitter. Criteria: ACMG Guidelines, 2015. Collection method: clinical testing. Allele origin: unknown.

Mayo Clinic Laboratories, Mayo Clinic
Classification: Uncertain significance. Last evaluated: 2023-04-26. Review status: criteria provided, single submitter. Criteria: ACMG Guidelines, 2015. Collection method: clinical testing. Allele origin: germline. Observed: 3 variant alleles.
Comment: BS3_supporting